The following is an entry in ClinVar:

NM_005591.4(MRE11):c.1511T>C (p.Phe504Ser)

Gene: MRE11 (MRE11 double strand break repair nuclease; minus strand). Cytogenetic location: 11q21.
Variant type: single nucleotide variant.
Coding change: c.1511T>C on transcript NM_005591.4 (MANE Select); coding-DNA position 1511, T replaced by C.
Protein change: p.Phe504Ser; replaces phenylalanine 504 with serine.
Molecular consequence: missense variant.
Genome position (GRCh38, 1-based): chr11:94,456,328, A>G on the plus strand (T>C on the coding strand, the complement: MRE11 is on the minus strand). VCF-style: chr11-94456328-A-G. GRCh37 (hg19) VCF-style: chr11-94189494-A-G.
Other names: c.1511T>C, p.Phe504Ser (NM_001330347.2, NM_005590.4); short protein forms F504S.
Identifiers: ClinVar variation 2586207 (VCV002586207.3), dbSNP rs2496361442, ClinGen allele CA382370849.

ClinVar aggregate classification (germline): Uncertain significance (1 of 4 stars; one submission).

Conditions:
Hereditary cancer-predisposing syndrome. Also called: Hereditary neoplastic syndrome; Tumor predisposition; Hereditary Cancer Syndrome; Neoplastic Syndromes, Hereditary. Identifiers: Orphanet 140162, MedGen C0027672, MeSH D009386, MONDO:0015356.

Submission:

Ambry Genetics
Classification: Uncertain significance for Hereditary cancer-predisposing syndrome. Last evaluated: 2025-09-19. Review status: criteria provided, single submitter. Criteria: Ambry Variant Classification Scheme 2023. Collection method: clinical testing. Allele origin: germline.
Comment: The p.F504S variant (also known as c.1511T>C), located in coding exon 13 of the MRE11A gene, results from a T to C substitution at nucleotide position 1511. The phenylalanine at codon 504 is replaced by serine, an amino acid with highly dissimilar properties. This amino acid position is conserved. In addition, this alteration is predicted to be deleterious by in silico analysis. Since supporting evidence is limited at this time, the clinical significance of this alteration remains unclear.